The following is an entry in ClinVar:

NM_000875.5(IGF1R):c.1997-6G>C

Gene: IGF1R (insulin like growth factor 1 receptor; plus strand). Cytogenetic location: 15q26.3.
Variant type: single nucleotide variant.
Coding change: c.1997-6G>C on transcript NM_000875.5 (MANE Select); 6 bases into the intron before coding-DNA position 1997, G replaced by C.
Molecular consequence: intron variant.
Genome position (GRCh38, 1-based): chr15:98,916,666, G>C. VCF-style: chr15-98916666-G-C. GRCh37 (hg19) VCF-style: chr15-99459895-G-C.
Other names: c.1997-6G>C (NM_001291858.2).
Identifiers: ClinVar variation 3605582 (VCV003605582.2).

ClinVar aggregate classification (germline): Uncertain significance (1 of 4 stars; one submission).

gnomAD v4.1: 2 of 1,613,588 alleles (0.00012%); highest among the groups gnomAD compares: African/African-American, 0.0013%; no homozygotes.

Submission:

Labcorp Genetics (formerly Invitae), Labcorp
Classification: Uncertain significance. Last evaluated: 2024-09-03. Review status: criteria provided, single submitter. Criteria: Invitae Variant Classification Sherloc (09022015). Collection method: clinical testing. Allele origin: germline.
Comment: This sequence change falls in intron 9 of the IGF1R gene. It does not directly change the encoded amino acid sequence of the IGF1R protein. This variant is present in population databases (no rsID available, gnomAD 0.007%). This variant has not been reported in the literature in individuals affected with IGF1R-related conditions. Algorithms developed to predict the effect of sequence changes on RNA splicing suggest that this variant may disrupt the consensus splice site. In summary, the available evidence is currently insufficient to determine the role of this variant in disease. Therefore, it has been classified as a Variant of Uncertain Significance.